The following is an entry in ClinVar:

ClinVar aggregate classification (germline): Uncertain significance. Review status: criteria provided, multiple submitters, no conflicts (2 of 4 stars). 2 submissions from 2 submitters: Uncertain significance (2). Last evaluated 2023-07-03.

Conditions:
Inborn genetic diseases. Identifiers: MedGen C0950123, MeSH D030342.

Allele frequency attached by ClinVar (database versions not stated): ExAC 0.00001; TOPMed 0.00003; ESP Exome Variant Server 0.00009.

Submissions (2):

GeneDx
Classification: Uncertain significance. Last evaluated: 2023-07-03. Review status: criteria provided, single submitter. Criteria: GeneDx Variant Classification Process June 2021. Collection method: clinical testing. Allele origin: germline. Affected: yes.
Comment: Not observed at significant frequency in large population cohorts (gnomAD); In silico analysis supports that this missense variant has a deleterious effect on protein structure/function; Has not been previously published as pathogenic or benign to our knowledge

Ambry Genetics
Classification: Uncertain significance for Inborn genetic diseases. Last evaluated: 2021-10-12. Review status: criteria provided, single submitter. Criteria: Ambry Variant Classification Scheme 2023. Collection method: clinical testing. Allele origin: germline.

NM_006915.3(RP2):c.323G>C (p.Cys108Ser)

Gene: RP2 (RP2 activator of ARL3 GTPase; plus strand). Cytogenetic location: Xp11.3.
Variant type: single nucleotide variant.
Coding change: c.323G>C on transcript NM_006915.3 (MANE Select); coding-DNA position 323, G replaced by C.
Protein change: p.Cys108Ser; replaces cysteine 108 with serine.
Molecular consequence: missense variant.
Genome position (GRCh38, 1-based): chrX:46,853,696, G>C. VCF-style: chrX-46853696-G-C. GRCh37 (hg19) VCF-style: chrX-46713131-G-C.
Other names: short protein forms C108S.
Identifiers: ClinVar variation 2254285 (VCV002254285.3), dbSNP rs367562633, ClinGen allele CA10394205.
Genomic context (GRCh38, chrX:46,853,696, plus strand): 5'-ACTGCATAATTTTTCTGGGACCCGTGAAAGGCAGCGTGTTTTTCCGGAATTGCAGAGATT[G>C]CAAGTGCACATTAGCCTGCCAACAATTTCGTGTGCGAGATTGTAGAAAGCTGGAAGTCTT-3'
Protein context (NP_008846.2, residues 98-118): GSVFFRNCRD[Cys108Ser]KCTLACQQFR